The following is an entry in ClinVar:

NM_001127671.2(LIFR):c.2170C>G (p.Pro724Ala)

Gene: LIFR (LIF receptor subunit alpha; minus strand). Cytogenetic location: 5p13.1.
Variant type: single nucleotide variant.
Coding change: c.2170C>G on transcript NM_001127671.2 (MANE Select); coding-DNA position 2170, C replaced by G.
Protein change: p.Pro724Ala; replaces proline 724 with alanine.
Molecular consequence: missense variant.
Genome position (GRCh38, 1-based): chr5:38,489,243, G>C on the plus strand (C>G on the coding strand, the complement: LIFR is on the minus strand). VCF-style: chr5-38489243-G-C. GRCh37 (hg19) VCF-style: chr5-38489345-G-C.
Other names: c.2170C>G, p.Pro724Ala (NM_001364297.2, NM_001364298.2, NM_002310.6); short protein forms P724A.
Identifiers: ClinVar variation 217274 (VCV000217274.4), dbSNP rs863225047, ClinGen allele CA279136.
Genomic context (GRCh38, chr5:38,489,243, plus strand): 5'-ATTTTACTAATATCGAATCTGCAGAAGTATCCTCAACAGTAAAATTTGGTGCAACAATGG[G>C]AGCTGTAAAAGGAAAAAGTCAATTGCTAAAGGGGAGTGTATGAATACAGAGTAATACAGT-3'
Protein context (NP_001121143.1, residues 714-734): SMIGYIEELA[Pro724Ala]IVAPNFTVED

ClinVar aggregate classification (germline): Likely pathogenic. Review status: criteria provided, single submitter (1 of 4 stars). 2 submissions from 2 submitters: Likely pathogenic (1). 1 of the submissions does not count toward it. Last evaluated 2025-05-30.

Conditions:
Stuve-Wiedemann syndrome (STWS). Also called: Stüve-Wiedemann syndrome. Identifiers: Orphanet 3206, MedGen C0796176, MONDO:0031280.

Allele frequency attached by ClinVar (database versions not stated): gnomAD exomes below 0.00001; TOPMed below 0.00001; gnomAD 0.00001.
gnomAD v4.1: 2 of 1,611,740 alleles (0.00012%); highest among the groups gnomAD compares: Non-Finnish European, 0.000085%; no homozygotes.

Submissions (2):

Natera, Inc.
Classification: Likely pathogenic for Stuve-Wiedemann syndrome. Last evaluated: 2025-05-30. Review status: criteria provided, single submitter. Criteria: Natera Variant Classification Schema (03/2026). Collection method: clinical testing. Allele origin: germline.
Comment: The c.2170C>G variant in LIFR is a missense variant predicted to cause substitution of proline to alanine at amino acid 724. This variant is rare in the general population with a frequency below the threshold expected for the associated phenotype(s). This variant has been observed in one or more individuals affected with the associated recessive disease, as either homozygous or compound heterozygous with a second variant (PMID: 25540807). Functional studies show that this variant may disrupt protein function (PMID: 25540807). Computational prediction algorithms indicate this variant is likely to affect gene or protein function. Given the available evidence, this variant is classified as Likely Pathogenic.

OMIM
Classification: Pathogenic for STUVE-WIEDEMANN SYNDROME 1. Last evaluated: 2014-11-01. Review status: no assertion criteria provided. Collection method: literature only. Allele origin: germline. Not counted in ClinVar's aggregate classification.

Literature cited by the submitters: PubMed 25540807 (cited by Natera, Inc. and OMIM).